The following is an entry in ClinVar:

ClinVar aggregate classification (germline): Benign. Review status: criteria provided, multiple submitters, no conflicts (2 of 4 stars). 2 submissions from 2 submitters: Benign (2). Last evaluated 2018-06-18.

Allele frequency attached by ClinVar (database versions not stated): gnomAD 0.02548 and 0.02730; TOPMed 0.02819; 1000 Genomes Project 0.03095; 1000 Genomes Project 30x 0.03232.
gnomAD v4.1: 6,671 of 1,166,314 alleles (0.57%); highest among the groups gnomAD compares: African/African-American, 8.9%; 258 homozygotes.

Submissions (2):

GeneDx
Classification: Benign. Last evaluated: 2018-06-18. Review status: criteria provided, single submitter. Criteria: GeneDx Variant Classification (06012015). Collection method: clinical testing. Allele origin: germline. Affected: yes.
Comment: This variant is considered likely benign or benign based on one or more of the following criteria: it is a conservative change, it occurs at a poorly conserved position in the protein, it is predicted to be benign by multiple in silico algorithms, and/or has population frequency not consistent with disease.

Breakthrough Genomics
Classification: Benign. Review status: criteria provided, single submitter. Criteria: ACMG Guidelines, 2015. Collection method: not provided. Allele origin: germline. Inheritance: Autosomal recessive inheritance. Affected: yes.

NM_133642.5(LARGE1):c.1730+118G>A

Gene: LARGE1 (LARGE xylosyl- and glucuronyltransferase 1; minus strand). Cytogenetic location: 22q12.3.
Variant type: single nucleotide variant.
Coding change: c.1730+118G>A on transcript NM_133642.5 (MANE Select); 118 bases into the intron after coding-DNA position 1730, G replaced by A.
Molecular consequence: intron variant.
Genome position (GRCh38, 1-based): chr22:33,304,111, C>T on the plus strand (G>A on the coding strand, the complement: LARGE1 is on the minus strand). VCF-style: chr22-33304111-C-T. GRCh37 (hg19) VCF-style: chr22-33700097-C-T.
Other names: c.1730+118G>A (NM_001362953.2, NM_001362949.2, NM_001378627.1 and 6 more transcripts); c.1574+118G>A (NM_001378629.1); c.971+118G>A (NM_001378631.1); c.1127+118G>A (NM_001378630.1).
Identifiers: ClinVar variation 678424 (VCV000678424.2), dbSNP rs80188851, ClinGen allele CA323711531.